The following is an entry in ClinVar:

NM_177550.5(SLC13A5):c.1165A>G (p.Thr389Ala)

Gene: SLC13A5 (solute carrier family 13 member 5; minus strand). Cytogenetic location: 17p13.1.
Variant type: single nucleotide variant.
Coding change: c.1165A>G on transcript NM_177550.5 (MANE Select); coding-DNA position 1165, A replaced by G.
Protein change: p.Thr389Ala; replaces threonine 389 with alanine.
Molecular consequence: missense variant.
Genome position (GRCh38, 1-based): chr17:6,693,154, T>C on the plus strand (A>G on the coding strand, the complement: SLC13A5 is on the minus strand). VCF-style: chr17-6693154-T-C. GRCh37 (hg19) VCF-style: chr17-6596473-T-C.
Other names: c.1165A>G, p.Thr389Ala (NM_001143838.3); c.1114A>G, p.Thr372Ala (NM_001284509.2); c.1036A>G, p.Thr346Ala (NM_001284510.2); short protein forms T389A, T372A, T346A.
Identifiers: ClinVar variation 452331 (VCV000452331.2), dbSNP rs1555541336, ClinGen allele CA397741706.

ClinVar aggregate classification (germline): Uncertain significance (1 of 4 stars; one submission).

Allele frequency attached by ClinVar (database versions not stated): gnomAD exomes below 0.00001.
gnomAD v4.1: 2 of 1,600,458 alleles (0.00012%); highest among the groups gnomAD compares: Non-Finnish European, 0.00017%; no homozygotes.

Submission:

GeneDx
Classification: Uncertain significance. Last evaluated: 2017-09-28. Review status: criteria provided, single submitter. Criteria: GeneDx Variant Classification (06012015). Collection method: clinical testing. Allele origin: germline. Affected: yes.
Comment: The T389A variant has not been published as a pathogenic variant, nor has it been reported as a benign variant to our knowledge. This variant is not observed in large population cohorts (Lek et al., 2016). The T389A variant is a non-conservative amino acid substitution, which is likely to impact secondary protein structure as these residues differ in polarity, charge, size and/or other properties. However, thissubstitution occurs at a position that is not conserved, and in silico analysis predicts this variant likelydoes not alter the protein structure/function. Therefore, based on the currently available information, it is unclear whether this variant is a pathogenic variant or a rare benign variant.